The following is an entry in ClinVar:

NM_133379.5(TTN):c.14206C>T (p.Leu4736Phe)

Genes: TTN (titin; minus strand), LOC126806432 (CDK7 strongly-dependent group 2 enhancer GRCh37_chr2:179611985-179613184; plus strand). Cytogenetic location: 2q31.2.
Variant type: single nucleotide variant.
Coding change: c.14206C>T on transcript NM_133379.5; coding-DNA position 14206, C replaced by T.
Protein change: p.Leu4736Phe; replaces leucine 4736 with phenylalanine.
Molecular consequence: missense variant. On other transcripts: intron variant (6).
Genome position (GRCh38, 1-based): chr2:178,748,194, G>A on the plus strand (C>T on the coding strand, the complement: TTN is on the minus strand). VCF-style: chr2-178748194-G-A. GRCh37 (hg19) VCF-style: chr2-179612921-G-A.
Other names: c.10222+4930C>T (NM_003319.4); c.10798+4930C>T (NM_133437.4); c.10597+4930C>T (NM_133432.3); c.10360+4930C>T (NM_133378.4, NM_001256850.1); c.11311+4930C>T (NM_001267550.2); c.14206C>T (NM_133379.4); short protein forms L4736F.
Identifiers: ClinVar variation 595040 (VCV000595040.7), dbSNP rs770663802, ClinGen allele CA2003285.

ClinVar aggregate classification (germline): Conflicting classifications of pathogenicity. Review status: criteria provided, conflicting classifications (1 of 4 stars). 3 submissions from 3 submitters: Uncertain significance (2); Likely benign (1). Last evaluated 2025-04-09.

Conditions:
TTN-related disorder. Also called: TTN-related disorders; TTN-related condition; TTN-related disease.

Allele frequency attached by ClinVar (database versions not stated): gnomAD 0.00001; TOPMed 0.00002; gnomAD exomes 0.00003 and below 0.00001; ExAC 0.00001.
gnomAD v4.1: 39 of 1,612,972 alleles (0.0024%); highest among the groups gnomAD compares: Non-Finnish European, 0.0032%; no homozygotes.

Submissions (3):

Molecular Diagnostic Laboratory for Inherited Cardiovascular Disease, Montreal Heart Institute
Classification: Likely benign. Last evaluated: 2025-04-09. Review status: criteria provided, single submitter. Criteria: ACMG Guidelines, 2015. Collection method: clinical testing. Allele origin: germline. Affected: no.
Comment: BP1

PreventionGenetics, part of Exact Sciences
Classification: Uncertain significance for TTN-related condition. Last evaluated: 2022-12-12. Review status: criteria provided, single submitter. Criteria: ACMG Guidelines, 2015. Collection method: clinical testing. Allele origin: germline.
Comment: The TTN c.14206C>T variant is predicted to result in the amino acid substitution p.Leu4736Phe. Of note, this variant results in a missense change in the NM_133379.4 transcript, but is a deep intronic variant in all other TTN transcripts (eg. c.11311+4930C>T with NM_001267550). To our knowledge, this variant has not been reported in the literature. This variant is reported in 0.00089% of alleles in individuals of European (Non-Finnish) descent in gnomAD. At this time, the clinical significance of this variant is uncertain due to the absence of conclusive functional and genetic evidence.

Eurofins Ntd Llc (ga)
Classification: Uncertain significance. Last evaluated: 2017-11-16. Review status: criteria provided, single submitter. Criteria: EGL Classification Definitions 2015. Collection method: clinical testing. Allele origin: germline. Observed: 1 variant allele, 1 heterozygote.